The following is an entry in ClinVar:

NM_000383.4(AIRE):c.879G>A (p.Gln293=)

Gene: AIRE (autoimmune regulator; plus strand). Cytogenetic location: 21q22.3.
Variant type: single nucleotide variant.
Coding change: c.879G>A on transcript NM_000383.4 (MANE Select); coding-DNA position 879, G replaced by A.
Protein change: p.Gln293=; no amino-acid change (glutamine 293 retained).
Molecular consequence: synonymous variant.
Genome position (GRCh38, 1-based): chr21:44,290,068, G>A. VCF-style: chr21-44290068-G-A. GRCh37 (hg19) VCF-style: chr21-45709951-G-A.
Identifiers: ClinVar variation 4806525 (VCV004806525.1).

ClinVar aggregate classification (germline): Uncertain significance (1 of 4 stars; one submission).

Conditions:
Polyglandular autoimmune syndrome, type 1 (APS1). Also called: AUTOIMMUNE POLYENDOCRINE SYNDROME, TYPE I, WITH OR WITHOUT REVERSIBLE METAPHYSEAL DYSPLASIA; APS I; HYPOADRENOCORTICISM WITH HYPOPARATHYROIDISM AND SUPERFICIAL MONILIASIS; PGA I; Autoimmune polyendocrine syndrome type 1; Autoimmune polyendocrinopathy syndrome, type I. Identifiers: Orphanet 3453, MedGen C0085859, MONDO:0009411, OMIM 240300.

gnomAD v4.1: 2 of 1,611,778 alleles (0.00012%); highest among the groups gnomAD compares: Non-Finnish European, 0.00017%; no homozygotes.

Submission:

Labcorp Genetics (formerly Invitae), Labcorp
Classification: Uncertain significance for Polyglandular autoimmune syndrome, type 1. Last evaluated: 2025-04-10. Review status: criteria provided, single submitter. Criteria: Invitae Variant Classification Sherloc (09022015). Collection method: clinical testing. Allele origin: germline.
Comment: This sequence change affects codon 293 of the AIRE mRNA. It is a 'silent' change, meaning that it does not change the encoded amino acid sequence of the AIRE protein. This variant also falls at the last nucleotide of exon 7, which is part of the consensus splice site for this exon. This variant is not present in population databases (gnomAD no frequency). This variant has not been reported in the literature in individuals affected with AIRE-related conditions. Variants that disrupt the consensus splice site are a relatively common cause of aberrant splicing (PMID: 17576681, 9536098). Algorithms developed to predict the effect of sequence changes on RNA splicing suggest that this variant may disrupt the consensus splice site. In summary, the available evidence is currently insufficient to determine the role of this variant in disease. Therefore, it has been classified as a Variant of Uncertain Significance.

Literature cited by the submitters: PubMed 17576681; PubMed 9536098.